The following is an entry in ClinVar:

NM_021098.3(CACNA1H):c.5173+10C>T

Gene: CACNA1H (calcium voltage-gated channel subunit alpha1 H; plus strand). Cytogenetic location: 16p13.3.
Variant type: single nucleotide variant.
Coding change: c.5173+10C>T on transcript NM_021098.3 (MANE Select); 10 bases into the intron after coding-DNA position 5173, C replaced by T.
Molecular consequence: intron variant.
Genome position (GRCh38, 1-based): chr16:1,215,385, C>T. VCF-style: chr16-1215385-C-T. GRCh37 (hg19) VCF-style: chr16-1265385-C-T.
Other names: p.?; c.5155+10C>T (NM_001005407.2).
Identifiers: ClinVar variation 445683 (VCV000445683.16), dbSNP rs72554026, ClinGen allele CA7801821.

ClinVar aggregate classification (germline): Benign/Likely benign. Review status: criteria provided, multiple submitters, no conflicts (2 of 4 stars). 5 submissions from 5 submitters: Benign (1); Likely benign (4). Last evaluated 2026-01-28.

Conditions:
Hyperaldosteronism, familial, type IV (HALD4). Also called: FH IV; ALDOSTERONISM, PRIMARY, AND HYPERTENSION. Identifiers: Orphanet 642671, MedGen C4310756, MONDO:0014875, OMIM 617027.
Epilepsy, childhood absence, susceptibility to, 6. Identifiers: Orphanet 64280, MedGen C2749872, MONDO:0012763, OMIM 611942.
Idiopathic generalized epilepsy. Also called: EIG; Generalised epilepsy. Identifiers: MedGen C0270850, MONDO:0005579, OMIM 600669.

Allele frequency attached by ClinVar (database versions not stated): ExAC 0.00110; 1000 Genomes Project 0.00220; 1000 Genomes Project 30x 0.00265; gnomAD 0.00384 and 0.00407; ESP Exome Variant Server 0.00390; TOPMed 0.00411.
gnomAD v4.1: 1,172 of 1,531,354 alleles (0.077%); highest among the groups gnomAD compares: African/African-American, 1.3%; 7 homozygotes.

Submissions (5):

Labcorp Genetics (formerly Invitae), Labcorp
Classification: Benign for Idiopathic generalized epilepsy; Hyperaldosteronism, familial, type IV. Last evaluated: 2026-01-28. Review status: criteria provided, single submitter. Criteria: Invitae Variant Classification Sherloc (09022015). Collection method: clinical testing. Allele origin: germline.

Mayo Clinic Laboratories, Mayo Clinic
Classification: Likely benign. Last evaluated: 2025-07-26. Review status: criteria provided, single submitter. Criteria: ACMG Guidelines, 2015. Collection method: clinical testing. Allele origin: germline. Observed: 1 variant allele.
Comment: BS1, BP4, BP7

Blueprint Genetics
Classification: Likely benign. Last evaluated: 2024-10-09. Review status: criteria provided, single submitter. Criteria: ACMG Guidelines, 2015. Collection method: clinical testing. Allele origin: germline.

Fulgent Genetics
Classification: Likely benign for Epilepsy, childhood absence, susceptibility to, 6; Hyperaldosteronism, familial, type IV. Last evaluated: 2021-09-20. Review status: criteria provided, single submitter. Criteria: ACMG Guidelines, 2015. Collection method: clinical testing. Allele origin: unknown.

Center for Pediatric Genomic Medicine, Children's Mercy Hospital and Clinics
Classification: Likely benign. Last evaluated: 2017-04-19. Review status: criteria provided, single submitter. Criteria: ACMG Guidelines, 2015. Collection method: clinical testing. Allele origin: germline.